The following is an entry in ClinVar:

ClinVar aggregate classification (germline): Likely benign. Review status: criteria provided, multiple submitters, no conflicts (2 of 4 stars). 4 submissions from 4 submitters: Likely benign (4). Last evaluated 2026-01-26.

Conditions:
Inborn genetic diseases. Identifiers: MedGen C0950123, MeSH D030342.

Allele frequency attached by ClinVar (database versions not stated): gnomAD exomes 0.00025 and 0.00057; ExAC 0.00074; ESP Exome Variant Server 0.00186; gnomAD 0.00199 and 0.00206; TOPMed 0.00228; 1000 Genomes Project 30x 0.00328; 1000 Genomes Project 0.00379.
gnomAD v4.1: 727 of 1,613,462 alleles (0.045%); highest among the groups gnomAD compares: African/African-American, 0.66%; 8 homozygotes.

Submissions (4):

Labcorp Genetics (formerly Invitae), Labcorp
Classification: Likely benign. Last evaluated: 2026-01-26. Review status: criteria provided, single submitter. Criteria: Invitae Variant Classification Sherloc (09022015). Collection method: clinical testing. Allele origin: germline.

Ambry Genetics
Classification: Likely benign for Inborn genetic diseases. Last evaluated: 2025-08-02. Review status: criteria provided, single submitter. Criteria: Ambry Variant Classification Scheme 2023. Collection method: clinical testing. Allele origin: germline.

CeGaT Center for Human Genetics Tuebingen
Classification: Likely benign. Last evaluated: 2024-10-01. Review status: criteria provided, single submitter. Criteria: CeGaT Center For Human Genetics Tuebingen Variant Classification Criteria Version 2. Collection method: clinical testing. Allele origin: germline. Affected: yes. Observed: 1 variant allele.
Comment: PCLO: BP4, BS2

Blueprint Genetics
Classification: Likely benign. Last evaluated: 2024-09-17. Review status: criteria provided, single submitter. Criteria: ACMG Guidelines, 2015. Collection method: clinical testing. Allele origin: germline.

NM_033026.6(PCLO):c.1966T>G (p.Ser656Ala)

Gene: PCLO (piccolo presynaptic cytomatrix protein; minus strand). Cytogenetic location: 7q21.11.
Variant type: single nucleotide variant.
Coding change: c.1966T>G on transcript NM_033026.6 (MANE Select); coding-DNA position 1966, T replaced by G.
Protein change: p.Ser656Ala; replaces serine 656 with alanine.
Molecular consequence: missense variant.
Genome position (GRCh38, 1-based): chr7:83,135,584, A>C on the plus strand (T>G on the coding strand, the complement: PCLO is on the minus strand). VCF-style: chr7-83135584-A-C. GRCh37 (hg19) VCF-style: chr7-82764900-A-C.
Other names: c.1966T>G, p.Ser656Ala (NM_014510.3); short protein forms S656A.
Identifiers: ClinVar variation 712001 (VCV000712001.25), dbSNP rs111588909, ClinGen allele CA4321338.
Genomic context (GRCh38, chr7:83,135,584, plus strand): 5'-ATGATTTGCTCACTGCTGATGTAGTGGTAACAGGTGCAGTCTTCAGTTTGGGCTGGGGTG[A>C]TGACGGAACTGGAGCCAGATCCCCGCCTAGAGCTCTTTTCATTTGACAGTTCAAACAGAG-3'
Protein context (NP_149015.2, residues 646-666): LGGDLAPVPS[Ser656Ala]PQPKLKTAPV